The following is an entry in ClinVar:

NM_001148.6(ANK2):c.862C>T (p.Arg288Ter)

Gene: ANK2 (ankyrin 2; plus strand). Cytogenetic location: 4q26.
Variant type: single nucleotide variant.
Coding change: c.862C>T on transcript NM_001148.6 (MANE Select); coding-DNA position 862, C replaced by T.
Protein change: p.Arg288Ter; replaces arginine 288 with a stop codon.
Molecular consequence: nonsense.
Genome position (GRCh38, 1-based): chr4:113,242,180, C>T. VCF-style: chr4-113242180-C-T. GRCh37 (hg19) VCF-style: chr4-114163336-C-T.
Other names: c.799C>T, p.Arg267Ter (NM_001127493.3, NM_001354239.2, NM_001354254.2 and 14 more transcripts); c.862C>T, p.Arg288Ter (NM_001354225.2, NM_001354228.2, NM_001354232.2 and 9 more transcripts); c.907C>T, p.Arg303Ter (NM_001354230.2, NM_001354231.2, NM_001354237.2 and 5 more transcripts); c.775C>T, p.Arg259Ter (NM_001354260.2, NM_001354264.2, NM_001354276.2 and 16 more transcripts); c.820C>T, p.Arg274Ter (NM_001354261.2, NM_001386147.1, NM_001386160.1); c.850C>T, p.Arg284Ter (NM_001386148.2, NM_001386186.2, NM_001354269.3); c.913C>T, p.Arg305Ter (NM_001386174.1); c.889C>T, p.Arg297Ter (NM_001386175.1); and 1 more; short protein forms R267*, R288*, R303*, R259*, R284*, R274*, R276*, R297*.
Identifiers: ClinVar variation 4888038 (VCV004888038.1), dbSNP rs146907003.

ClinVar aggregate classification (germline): Pathogenic (1 of 4 stars; one submission).

Submission:

GeneDx
Classification: Pathogenic. Last evaluated: 2026-02-24. Review status: criteria provided, single submitter. Criteria: GeneDx Variant Classification Process June 2021. Collection method: clinical testing. Allele origin: germline.
Comment: Nonsense variant predicted to result in protein truncation or nonsense mediated decay in a gene for which loss of function is a known mechanism of disease; Not observed in large population cohorts (gnomAD); This variant is associated with the following publications: (PMID: 37195288)